The following is an entry in ClinVar:

NM_003647.3(DGKE):c.889-37T>A

Gene: DGKE (diacylglycerol kinase epsilon; plus strand). Cytogenetic location: 17q22.
Variant type: single nucleotide variant.
Coding change: c.889-37T>A on transcript NM_003647.3 (MANE Select); 37 bases into the intron before coding-DNA position 889, T replaced by A.
Molecular consequence: intron variant.
Genome position (GRCh38, 1-based): chr17:56,848,659, T>A. VCF-style: chr17-56848659-T-A. GRCh37 (hg19) VCF-style: chr17-54926020-T-A.
Identifiers: ClinVar variation 4280368 (VCV004280368.2).

ClinVar aggregate classification (germline): Likely benign (1 of 4 stars; one submission).

Conditions:
Atypical hemolytic-uremic syndrome. Identifiers: Orphanet 2134, MedGen C2931788, MONDO:0016244.
Immunoglobulin-mediated membranoproliferative glomerulonephritis. Also called: Nephrotic syndrome, type 7; NEPHROTIC SYNDROME, TYPE 7, WITH MEMBRANOPROLIFERATIVE GLOMERULONEPHRITIS. Identifiers: Orphanet 329903, MedGen C3554330, MONDO:0014005, OMIM 615008.
Mesangiocapillary glomerulonephritis. Also called: Membranoproliferative glomerulonephritis. Identifiers: MedGen C0017662, MONDO:0002461, HP:0000793.

gnomAD v4.1: 9 of 1,600,354 alleles (0.00056%); highest among the groups gnomAD compares: Non-Finnish European, 0.00077%; no homozygotes.

Submission:

Genomenon, Inc
Classification: Likely benign for Primary membranoproliferative glomerulonephritis. Last evaluated: 2026-09-17. Review status: criteria provided, single submitter. Criteria: Genomenon Sequence Variant Interpretation Standards - Updated. Collection method: curation. Allele origin: germline. Affected: no.
Comment: DGKE c.889-37T>A is an intronic variant located in intron 5. This variant has been reported in the published literature (PMID:33920896). It is absent or not present at a significant frequency in gnomAD. This variant is not predicted to impact splicing. In conclusion, we classify DGKE c.889-37T>A as a likely benign variant.

Literature cited by the submitters: PubMed 33920896.